The following is an entry in ClinVar:

ClinVar aggregate classification (germline): Likely benign (1 of 4 stars; one submission).

Allele frequency attached by ClinVar (database versions not stated): gnomAD exomes below 0.00001.
gnomAD v4.1: 2 of 1,613,792 alleles (0.00012%); highest among the groups gnomAD compares: African/African-American, 0.0013%; no homozygotes.

Submission:

CeGaT Center for Human Genetics Tuebingen
Classification: Likely benign. Last evaluated: 2022-04-01. Review status: criteria provided, single submitter. Criteria: CeGaT Center For Human Genetics Tuebingen Variant Classification Criteria Version 2. Collection method: clinical testing. Allele origin: germline. Affected: yes. Observed: 1 variant allele.
Comment: SND1: PM2:Supporting, BP4, BP7

NM_014390.4(SND1):c.1923G>A (p.Lys641=)

Gene: SND1 (staphylococcal nuclease and tudor domain containing 1; plus strand). Cytogenetic location: 7q32.1.
Variant type: single nucleotide variant.
Coding change: c.1923G>A on transcript NM_014390.4 (MANE Select); coding-DNA position 1923, G replaced by A.
Protein change: p.Lys641=; no amino-acid change (lysine 641 retained).
Molecular consequence: synonymous variant.
Genome position (GRCh38, 1-based): chr7:128,074,645, G>A. VCF-style: chr7-128074645-G-A. GRCh37 (hg19) VCF-style: chr7-127714697-G-A.
Identifiers: ClinVar variation 2657980 (VCV002657980.24), dbSNP rs2485198730, ClinGen allele CA457715275.